The following is an entry in ClinVar:

NM_001267550.2(TTN):c.101652C>G (p.Ser33884Arg)

Genes: TTN (titin; minus strand), TTN-AS1 (TTN antisense RNA 1; plus strand). Cytogenetic location: 2q31.2.
Variant type: single nucleotide variant.
Coding change: c.101652C>G on transcript NM_001267550.2 (MANE Select); coding-DNA position 101652, C replaced by G.
Protein change: p.Ser33884Arg; replaces serine 33884 with arginine.
Molecular consequence: missense variant.
Genome position (GRCh38, 1-based): chr2:178,534,963, G>C on the plus strand (C>G on the coding strand, the complement: TTN is on the minus strand). VCF-style: chr2-178534963-G-C. GRCh37 (hg19) VCF-style: chr2-179399690-G-C.
Other names: c.96729C>G, p.Ser32243Arg (NM_001256850.1); c.74457C>G, p.Ser24819Arg (NM_003319.4); c.93948C>G, p.Ser31316Arg (NM_133378.4); c.74832C>G, p.Ser24944Arg (NM_133432.3); c.75033C>G, p.Ser25011Arg (NM_133437.4); short protein forms S31316R, S33884R, S25011R, S24819R, S24944R, S32243R.
Identifiers: ClinVar variation 4785753 (VCV004785753.1).
Genomic context (GRCh38, chr2:178,534,963, plus strand): 5'-AATGCGCTCAAATATGTCAAGTCCTGATATAAACTCAAAGATCATAACTAATTCTTCCAT[G>C]CTTTCAAATGATTCATGGAGGTGTAAGATGTTTCTATGCCTAGCAATATTCAGAATGGAA-3'
Protein context (NP_001254479.2, residues 33874-33894): NILHLHESFE[Ser33884Arg]MEELVMIFEF

ClinVar aggregate classification (germline): Uncertain significance (1 of 4 stars; one submission).

Conditions:
Autosomal recessive limb-girdle muscular dystrophy type 2J (LGMDR10). Also called: Limb-girdle muscular dystrophy, type 2J; MUSCULAR DYSTROPHY, LIMB-GIRDLE, AUTOSOMAL RECESSIVE 10. Identifiers: Orphanet 140922, MedGen C1837342, MONDO:0012127, OMIM 608807.
Dilated cardiomyopathy 1G (CMD1G). Identifiers: Orphanet 154, MedGen C1858763, MONDO:0011400, OMIM 604145.

gnomAD v4.1: 1 of 1,613,014 alleles (0.000062%); highest among the groups gnomAD compares: East Asian, 0.0022%; no homozygotes.

Submission:

Labcorp Genetics (formerly Invitae), Labcorp
Classification: Uncertain significance for Dilated cardiomyopathy 1G; Autosomal recessive limb-girdle muscular dystrophy type 2J. Last evaluated: 2025-08-01. Review status: criteria provided, single submitter. Criteria: Invitae Variant Classification Sherloc (09022015). Collection method: clinical testing. Allele origin: germline.
Comment: This sequence change replaces serine, which is neutral and polar, with arginine, which is basic and polar, at codon 33884 of the TTN protein (p.Ser33884Arg). This variant is present in population databases (rs758420542, gnomAD 0.006%). This variant has not been reported in the literature in individuals affected with TTN-related conditions. Experimental studies and prediction algorithms are not available or were not evaluated, and the functional significance of this variant is currently unknown. This variant is located in the M band of TTN (PMID: 25589632). Non-truncating variants in this region may be relevant for neuromuscular disorders, but have not been definitively shown to cause cardiomyopathy (PMID: 23975875). In summary, the available evidence is currently insufficient to determine the role of this variant in disease. Therefore, it has been classified as a Variant of Uncertain Significance.

Literature cited by the submitters: PubMed 25589632; PubMed 23975875.